The following is an entry in ClinVar:

ClinVar aggregate classification (germline): Uncertain significance. Review status: criteria provided, multiple submitters, no conflicts (2 of 4 stars). 3 submissions from 3 submitters: Uncertain significance (3). Last evaluated 2025-11-25.

Allele frequency attached by ClinVar (database versions not stated): TOPMed 0.00003; ExAC 0.00004; gnomAD 0.00005; 1000 Genomes Project 30x 0.00016; 1000 Genomes Project 0.00020.
gnomAD v4.1: 45 of 1,612,052 alleles (0.0028%); highest among the groups gnomAD compares: African/African-American, 0.004%; no homozygotes.

Submissions (3):

Labcorp Genetics (formerly Invitae), Labcorp
Classification: Uncertain significance. Last evaluated: 2025-11-25. Review status: criteria provided, single submitter. Criteria: Invitae Variant Classification Sherloc (09022015). Collection method: clinical testing. Allele origin: germline.
Comment: This sequence change replaces glutamic acid, which is acidic and polar, with lysine, which is basic and polar, at codon 47 of the RAX2 protein (p.Glu47Lys). This variant is present in population databases (rs201124970, gnomAD 0.006%). This variant has not been reported in the literature in individuals affected with RAX2-related conditions. ClinVar contains an entry for this variant (Variation ID: 941721). An algorithm developed to predict the effect of missense changes on protein structure and function (PolyPhen-2) suggests that this variant is likely to be disruptive. In summary, the available evidence is currently insufficient to determine the role of this variant in disease. Therefore, it has been classified as a Variant of Uncertain Significance.

Blueprint Genetics
Classification: Uncertain significance. Last evaluated: 2024-09-09. Review status: criteria provided, single submitter. Criteria: ACMG Guidelines, 2015. Collection method: clinical testing. Allele origin: germline.

Ambry Genetics
Classification: Uncertain significance. Last evaluated: 2022-08-08. Review status: criteria provided, single submitter. Criteria: Ambry Variant Classification Scheme 2023. Collection method: clinical testing. Allele origin: germline.

NM_001319074.4(RAX2):c.139G>A (p.Glu47Lys)

Gene: RAX2 (retina and anterior neural fold homeobox 2; minus strand). Cytogenetic location: 19p13.3.
Variant type: single nucleotide variant.
Coding change: c.139G>A on transcript NM_001319074.4 (MANE Select); coding-DNA position 139, G replaced by A.
Protein change: p.Glu47Lys; replaces glutamic acid 47 with lysine.
Molecular consequence: missense variant.
Genome position (GRCh38, 1-based): chr19:3,771,604, C>T on the plus strand (G>A on the coding strand, the complement: RAX2 is on the minus strand). VCF-style: chr19-3771604-C-T. GRCh37 (hg19) VCF-style: chr19-3771602-C-T.
Other names: c.139G>A, p.Glu47Lys (NM_032753.4); short protein forms E47K.
Identifiers: ClinVar variation 941721 (VCV000941721.12), dbSNP rs201124970, ClinGen allele CA9085106.